The following is an entry in ClinVar:

NM_005732.4(RAD50):c.3641G>A (p.Arg1214His)

Genes: TH2LCRR (T helper type 2 locus control region associated RNA; minus strand), TH2-LCR (Th2 cytokine locus control region; plus strand), RAD50 (RAD50 double strand break repair protein; plus strand). Cytogenetic location: 5q31.1.
Variant type: single nucleotide variant.
Coding change: c.3641G>A on transcript NM_005732.4 (MANE Select); coding-DNA position 3641, G replaced by A.
Protein change: p.Arg1214His; replaces arginine 1214 with histidine.
Molecular consequence: missense variant.
Genome position (GRCh38, 1-based): chr5:132,640,694, G>A. VCF-style: chr5-132640694-G-A. GRCh37 (hg19) VCF-style: chr5-131976386-G-A.
Other names: short protein forms R1214H.
Identifiers: ClinVar variation 408382 (VCV000408382.18), dbSNP rs765290694, ClinGen allele CA3405643.
Genomic context (GRCh38, chr5:132,640,694, plus strand): 5'-GTCTGTGCTGGGCTTCTCACATAGGGGCTTTTTTCCAGGTATTAGCCTCACTCATCATTC[G>A]CCTGGCCCTGGCTGAAACGTTCTGCCTCAACTGTGGCATCATTGCCTTGGATGAGCCAAC-3'
Protein context (NP_005723.2, residues 1204-1224): GQKVLASLII[Arg1214His]LALAETFCLN

ClinVar aggregate classification (germline): Uncertain significance. Review status: criteria provided, multiple submitters, no conflicts (2 of 4 stars). 3 submissions from 3 submitters: Uncertain significance (3). Last evaluated 2025-11-22.

Conditions:
Hereditary cancer-predisposing syndrome. Also called: Hereditary Cancer Syndrome; Hereditary neoplastic syndrome; Neoplastic Syndromes, Hereditary; Tumor predisposition. Identifiers: Orphanet 140162, MedGen C0027672, MeSH D009386, MONDO:0015356.
Nijmegen breakage syndrome-like disorder (NBSLD). Also called: MICROCEPHALY AND SPONTANEOUS CHROMOSOME INSTABILITY WITHOUT IMMUNODEFICIENCY; NBS-LIKE DISORDER; RAD50 DEFICIENCY. Identifiers: Orphanet 240760, MedGen C2751318, MONDO:0013118, OMIM 613078.

Allele frequency attached by ClinVar (database versions not stated): gnomAD exomes below 0.00001; ExAC 0.00001; TOPMed 0.00001.
gnomAD v4.1: 22 of 1,614,010 alleles (0.0014%); highest among the groups gnomAD compares: Non-Finnish European, 0.0017%; no homozygotes.

Submissions (3):

Labcorp Genetics (formerly Invitae), Labcorp
Classification: Uncertain significance for Hereditary cancer-predisposing syndrome. Last evaluated: 2025-11-22. Review status: criteria provided, single submitter. Criteria: Invitae Variant Classification Sherloc (09022015). Collection method: clinical testing. Allele origin: germline.
Comment: This sequence change replaces arginine, which is basic and polar, with histidine, which is basic and polar, at codon 1214 of the RAD50 protein (p.Arg1214His). This variant is present in population databases (rs765290694, gnomAD 0.004%). This missense change has been observed in individual(s) with pancreatic cancer (PMID: 29945567). ClinVar contains an entry for this variant (Variation ID: 408382). Invitae Evidence Modeling of protein sequence and biophysical properties (such as structural, functional, and spatial information, amino acid conservation, physicochemical variation, residue mobility, and thermodynamic stability) indicates that this missense variant is expected to disrupt RAD50 protein function with a positive predictive value of 80%. In summary, the available evidence is currently insufficient to determine the role of this variant in disease. Therefore, it has been classified as a Variant of Uncertain Significance.

Ambry Genetics
Classification: Uncertain significance for Hereditary cancer-predisposing syndrome. Last evaluated: 2024-09-13. Review status: criteria provided, single submitter. Criteria: Ambry Variant Classification Scheme 2023. Collection method: clinical testing. Allele origin: germline.
Comment: The p.R1214H variant (also known as c.3641G>A), located in coding exon 24 of the RAD50 gene, results from a G to A substitution at nucleotide position 3641. The arginine at codon 1214 is replaced by histidine, an amino acid with highly similar properties. This alteration was identified in a cohort of pancreatic cancer patients undergoing multigene panel testing (Young EL et al. BMC Cancer, 2018 Jun;18:697). This amino acid position is highly conserved in available vertebrate species. In addition, this alteration is predicted to be deleterious by in silico analysis. Based on the available evidence, the clinical significance of this variant remains unclear.

Baylor Genetics
Classification: Uncertain significance for Nijmegen breakage syndrome-like disorder. Last evaluated: 2024-01-16. Review status: criteria provided, single submitter. Criteria: ACMG Guidelines, 2015. Collection method: clinical testing. Allele origin: unknown.

Literature cited by the submitters: PubMed 29945567 (cited by Labcorp Genetics (formerly Invitae), Labcorp and Ambry Genetics).